The following is an entry in ClinVar:

ClinVar aggregate classification (germline): Uncertain significance (1 of 4 stars; one submission).

Conditions:
MCCC1-related disorder. Also called: MCCC1-related condition.

Submission:

PreventionGenetics, part of Exact Sciences
Classification: Uncertain significance for MCCC1-related condition. Last evaluated: 2023-01-10. Review status: criteria provided, single submitter. Criteria: ACMG Guidelines, 2015. Collection method: clinical testing. Allele origin: germline.
Comment: The MCCC1 c.1001T>A variant is predicted to result in the amino acid substitution p.Met334Lys. To our knowledge, this variant has not been reported in the literature or in a large population database, indicating this variant is rare. At this time, the clinical significance of this variant is uncertain due to the absence of conclusive functional and genetic evidence.

NM_020166.5(MCCC1):c.1001T>A (p.Met334Lys)

Gene: MCCC1 (methylcrotonyl-CoA carboxylase subunit 1; minus strand). Cytogenetic location: 3q27.1.
Variant type: single nucleotide variant.
Coding change: c.1001T>A on transcript NM_020166.5 (MANE Select); coding-DNA position 1001, T replaced by A.
Protein change: p.Met334Lys; replaces methionine 334 with lysine.
Molecular consequence: missense variant. On other transcripts: non-coding transcript variant (2).
Genome position (GRCh38, 1-based): chr3:183,045,495, A>T on the plus strand (T>A on the coding strand, the complement: MCCC1 is on the minus strand). VCF-style: chr3-183045495-A-T. GRCh37 (hg19) VCF-style: chr3-182763283-A-T.
Other names: c.650T>A, p.Met217Lys (NM_001293273.2); c.674T>A, p.Met225Lys (NM_001363880.1); short protein forms M217K, M225K, M334K.
Identifiers: ClinVar variation 2629821 (VCV002629821.1), dbSNP rs1460133047, ClinGen allele CA355325313.